The following is an entry in ClinVar:

NM_000629.3(IFNAR1):c.360del (p.Phe120fs)

Gene: IFNAR1 (interferon alpha and beta receptor subunit 1; plus strand). Cytogenetic location: 21q22.11.
Variant type: Deletion.
Coding change: c.360del on transcript NM_000629.3 (MANE Select); coding-DNA position 360, one base deleted (T; older notation c.360delT).
Protein change: p.Phe120fs; shifts the reading frame from phenylalanine 120.
Molecular consequence: frameshift variant. On other transcripts: 5 prime UTR variant (2).
Genome position (GRCh38, 1-based): chr21:33,341,158, T deleted; the last of 3 consecutive T bases (chr21:33,341,156-33,341,158); deleting any one gives the same sequence. VCF-style (leftmost placement, unchanged base first): chr21-33341155-AT-A. GRCh37 (hg19) VCF-style: chr21-34713461-AT-A.
Other names: c.360del, p.Phe120fs (NM_001384498.1, NM_001384499.1, NM_001384501.1 and 1 more transcripts); c.-427del (NM_001384500.1); c.-103del (NM_001384502.1); c.153del, p.Phe51fs (NM_001384504.1); short protein forms F51fs, F120fs.
Identifiers: ClinVar variation 1501733 (VCV001501733.6), dbSNP rs2123681235, ClinGen allele CA2573157332.

ClinVar aggregate classification (germline): Pathogenic (1 of 4 stars; one submission).

Submission:

Labcorp Genetics (formerly Invitae), Labcorp
Classification: Pathogenic. Last evaluated: 2025-04-28. Review status: criteria provided, single submitter. Criteria: Invitae Variant Classification Sherloc (09022015). Collection method: clinical testing. Allele origin: germline.
Comment: This sequence change creates a premature translational stop signal (p.Phe120Leufs*16) in the IFNAR1 gene. It is expected to result in an absent or disrupted protein product. Loss-of-function variants in IFNAR1 are known to be pathogenic (PMID: 31270247, 32960813). This variant is not present in population databases (gnomAD no frequency). This variant has not been reported in the literature in individuals affected with IFNAR1-related conditions. ClinVar contains an entry for this variant (Variation ID: 1501733). For these reasons, this variant has been classified as Pathogenic.

Literature cited by the submitters: PubMed 31270247; PubMed 32960813.